The following is an entry in ClinVar:

ClinVar aggregate classification (germline): Uncertain significance (1 of 4 stars; one submission).

Conditions:
Thrombocytopenia 2 (THC2). Also called: ANKRD26-Related Thrombocytopenia. Identifiers: Orphanet 268322, MedGen C1861185, MONDO:0008555, OMIM 188000.

gnomAD v4.1: 3 of 1,614,084 alleles (0.00019%); highest among the groups gnomAD compares: South Asian, 0.0011%; no homozygotes.

Submission:

St. Jude Molecular Pathology, St. Jude Children's Research Hospital
Classification: Uncertain significance for Thrombocytopenia 2. Last evaluated: 2026-02-20. Review status: criteria provided, single submitter. Criteria: St. Jude Assertion Criteria 2020. Collection method: clinical testing. Allele origin: germline.
Comment: The ANKRD26 c.4847A>G p.(Asn1616Ser) missense change has a maximum subpopulation frequency of 0.0046% in gnomAD v2.1.1. This variant is not located in the 5Ã¢ € ™ UTR . The in silico tool REVEL predicts a benign effect on protein function, but to our knowledge this prediction has not been confirmed by functional studies. To our knowledge, this variant has not been reported in the literature in individuals with ANKRD26 -related thrombocytopenia. In summary, the evidence currently available is insufficient to determine the clinical significance of this variant. It has therefore been classified as of uncertain significance.

NM_014915.3(ANKRD26):c.4847A>G (p.Asn1616Ser)

Gene: ANKRD26 (ankyrin repeat domain 26; minus strand). Cytogenetic location: 10p12.1.
Variant type: single nucleotide variant.
Coding change: c.4847A>G on transcript NM_014915.3 (MANE Select); coding-DNA position 4847, A replaced by G.
Protein change: p.Asn1616Ser; replaces asparagine 1616 with serine.
Molecular consequence: missense variant.
Genome position (GRCh38, 1-based): chr10:27,012,988, T>C on the plus strand (A>G on the coding strand, the complement: ANKRD26 is on the minus strand). VCF-style: chr10-27012988-T-C. GRCh37 (hg19) VCF-style: chr10-27301917-T-C.
Other names: c.4844A>G, p.Asn1615Ser (NM_001256053.2); short protein forms N1615S, N1616S.
Identifiers: ClinVar variation 4813175 (VCV004813175.1).
Genomic context (GRCh38, chr10:27,012,988, plus strand): 5'-GAGGTAGAGATCACTAAGTTTTCTCTTGGAATAAGTTTTCTGTTGAGATCTAAACTATTA[T>C]TAAGATTTCCCACACAAGGTGGCTCCATGACTGGCCTGGTAGTGAGAGTGGTGAACAAAG-3'
Protein context (NP_055730.2, residues 1606-1626): VMEPPCVGNL[Asn1616Ser]NSLDLNRKLI